The following is an entry in ClinVar:

NM_152879.3(DGKD):c.2277G>A (p.Thr759=)

Gene: DGKD (diacylglycerol kinase delta; plus strand). Cytogenetic location: 2q37.1.
Variant type: single nucleotide variant.
Coding change: c.2277G>A on transcript NM_152879.3 (MANE Select); coding-DNA position 2277, G replaced by A.
Protein change: p.Thr759=; no amino-acid change (threonine 759 retained).
Molecular consequence: synonymous variant.
Genome position (GRCh38, 1-based): chr2:233,454,775, G>A. VCF-style: chr2-233454775-G-A. GRCh37 (hg19) VCF-style: chr2-234363421-G-A.
Other names: c.1878G>A, p.Thr626= (NM_001377259.1); c.2145G>A, p.Thr715= (NM_003648.3).
Identifiers: ClinVar variation 3057852 (VCV003057852.2), dbSNP rs1296019180, ClinGen allele CA431832963.

ClinVar aggregate classification (germline): Likely benign (0 of 4 stars; one submission).

Conditions:
DGKD-related disorder. Also called: DGKD-related condition.

Allele frequency attached by ClinVar (database versions not stated): gnomAD exomes 0.00001; gnomAD 0.00002; TOPMed 0.00002.
gnomAD v4.1: 19 of 1,609,036 alleles (0.0012%); highest among the groups gnomAD compares: East Asian, 0.0045%; no homozygotes.

Submission:

PreventionGenetics, part of Exact Sciences
Classification: Likely benign for DGKD-related condition. Last evaluated: 2019-03-22. Review status: no assertion criteria provided. Collection method: clinical testing. Allele origin: germline.
Comment: This variant is classified as likely benign based on ACMG/AMP sequence variant interpretation guidelines (Richards et al. 2015 PMID: 25741868, with internal and published modifications).